The following is an entry in ClinVar:

NM_000218.3(KCNQ1):c.1514+17790G>C

Genes: KCNQ1 (potassium voltage-gated channel subfamily Q member 1; plus strand), KCNQ1OT1 (KCNQ1 opposite strand/antisense transcript 1; minus strand). Cytogenetic location: 11p15.5.
Variant type: single nucleotide variant.
Coding change: c.1514+17790G>C on transcript NM_000218.3 (MANE Select); 17790 bases into the intron after coding-DNA position 1514, G replaced by C.
Molecular consequence: intron variant. On other transcripts: non-coding transcript variant (1).
Genome position (GRCh38, 1-based): chr11:2,679,871, G>C. VCF-style: chr11-2679871-G-C. GRCh37 (hg19) VCF-style: chr11-2701101-G-C.
Other names: c.1244+17790G>C (NM_001406837.1); c.1418+17790G>C (NM_001406836.1); c.974+17790G>C (NM_001406838.1); c.1133+17790G>C (NM_181798.2).
Identifiers: ClinVar variation 4822317 (VCV004822317.4).

ClinVar aggregate classification (germline): Likely benign (1 of 4 stars; one submission).

gnomAD v4.1: 267 of 398,300 alleles (0.067%); highest among the groups gnomAD compares: African/African-American, 0.52%; no homozygotes.

Submission:

CeGaT Center for Human Genetics Tuebingen
Classification: Likely benign. Last evaluated: 2026-04-01. Review status: criteria provided, single submitter. Criteria: CeGaT Center For Human Genetics Tuebingen Variant Classification Criteria Version 2. Collection method: clinical testing. Allele origin: germline. Affected: yes. Observed: 2 variant alleles.
Comment: KCNQ1OT1: BS2